The following is an entry in ClinVar:

ClinVar aggregate classification (germline): Uncertain significance (1 of 4 stars; one submission).

Conditions:
Duchenne muscular dystrophy (DMD). Also called: MUSCULAR DYSTROPHY, PSEUDOHYPERTROPHIC PROGRESSIVE, DUCHENNE TYPE; Duchenne Muscular Dystrophy (DMD). Identifiers: Orphanet 98896, MedGen C0013264, MONDO:0010679, OMIM 310200.

Submission:

Labcorp Genetics (formerly Invitae), Labcorp
Classification: Uncertain significance for Duchenne muscular dystrophy. Last evaluated: 2024-02-09. Review status: criteria provided, single submitter. Criteria: Invitae Variant Classification Sherloc (09022015). Collection method: clinical testing. Allele origin: germline.
Comment: This sequence change replaces glycine, which is neutral and non-polar, with arginine, which is basic and polar, at codon 1334 of the DMD protein (p.Gly1334Arg). This variant is not present in population databases (gnomAD no frequency). This variant has not been reported in the literature in individuals affected with DMD-related conditions. Advanced modeling of protein sequence and biophysical properties (such as structural, functional, and spatial information, amino acid conservation, physicochemical variation, residue mobility, and thermodynamic stability) performed at Invitae indicates that this missense variant is not expected to disrupt DMD protein function with a negative predictive value of 95%. In summary, the available evidence is currently insufficient to determine the role of this variant in disease. Therefore, it has been classified as a Variant of Uncertain Significance.

NM_004006.3(DMD):c.4000G>C (p.Gly1334Arg)

Gene: DMD (dystrophin; minus strand). Cytogenetic location: Xp21.1.
Variant type: single nucleotide variant.
Coding change: c.4000G>C on transcript NM_004006.3 (MANE Select); coding-DNA position 4000, G replaced by C.
Protein change: p.Gly1334Arg; replaces glycine 1334 with arginine.
Molecular consequence: missense variant.
Genome position (GRCh38, 1-based): chrX:32,438,312, C>G on the plus strand (G>C on the coding strand, the complement: DMD is on the minus strand). VCF-style: chrX-32438312-C-G. GRCh37 (hg19) VCF-style: chrX-32456429-C-G.
Other names: c.3976G>C, p.Gly1326Arg (NM_000109.4); c.3988G>C, p.Gly1330Arg (NM_004009.3); c.3631G>C, p.Gly1211Arg (NM_004010.3); short protein forms G1211R, G1326R, G1330R, G1334R.
Identifiers: ClinVar variation 3603572 (VCV003603572.2).